The following is an entry in ClinVar:

ClinVar aggregate classification (germline): Uncertain significance. Review status: criteria provided, multiple submitters, no conflicts (2 of 4 stars). 2 submissions from 2 submitters: Uncertain significance (2). Last evaluated 2025-08-02.

Conditions:
Inborn genetic diseases. Identifiers: MedGen C0950123, MeSH D030342.

Allele frequency attached by ClinVar (database versions not stated): gnomAD exomes below 0.00001; ExAC 0.00001; TOPMed 0.00001; ESP Exome Variant Server 0.00008.

Submissions (2):

Ambry Genetics
Classification: Uncertain significance for Inborn genetic diseases. Last evaluated: 2025-08-02. Review status: criteria provided, single submitter. Criteria: Ambry Variant Classification Scheme 2023. Collection method: clinical testing. Allele origin: germline.
Comment: The p.D525E variant (also known as c.1575T>G), located in coding exon 10 of the ERCC6L2 gene, results from a T to G substitution at nucleotide position 1575. The aspartic acid at codon 525 is replaced by glutamic acid, an amino acid with highly similar properties. This amino acid position is conserved. In addition, the in silico prediction for this alteration is inconclusive. Based on the available evidence, the clinical significance of this variant remains unclear.

Labcorp Genetics (formerly Invitae), Labcorp
Classification: Uncertain significance. Last evaluated: 2021-10-20. Review status: criteria provided, single submitter. Criteria: Invitae Variant Classification Sherloc (09022015). Collection method: clinical testing. Allele origin: germline.
Comment: This sequence change replaces aspartic acid with glutamic acid at codon 536 of the ERCC6L2 protein (p.Asp536Glu). The aspartic acid residue is highly conserved and there is a small physicochemical difference between aspartic acid and glutamic acid. This variant is present in population databases (rs141400231, ExAC 0.01%). This variant has not been reported in the literature in individuals affected with ERCC6L2-related conditions. Algorithms developed to predict the effect of missense changes on protein structure and function are either unavailable or do not agree on the potential impact of this missense change (SIFT: "Tolerated"; PolyPhen-2: "Not Available"; Align-GVGD: "Class C0"). In summary, the available evidence is currently insufficient to determine the role of this variant in disease. Therefore, it has been classified as a Variant of Uncertain Significance.

NM_020207.7(ERCC6L2):c.1575T>G (p.Asp525Glu)

Gene: ERCC6L2 (ERCC excision repair 6 like 2; plus strand). Cytogenetic location: 9q22.32.
Variant type: single nucleotide variant.
Coding change: c.1575T>G on transcript NM_020207.7 (MANE Select); coding-DNA position 1575, T replaced by G.
Protein change: p.Asp525Glu; replaces aspartic acid 525 with glutamic acid.
Molecular consequence: missense variant. On other transcripts: non-coding transcript variant (1).
Genome position (GRCh38, 1-based): chr9:95,928,120, T>G. VCF-style: chr9-95928120-T-G. GRCh37 (hg19) VCF-style: chr9-98690402-T-G.
Other names: c.1575T>G, p.Asp525Glu (NM_001010895.4, NM_001375291.1, NM_001375292.1 and 2 more transcripts); short protein forms D525E.
Identifiers: ClinVar variation 1503918 (VCV001503918.7), dbSNP rs141400231, ClinGen allele CA5139604.